The following is an entry in ClinVar:

NM_007294.4(BRCA1):c.740A>T (p.Asn247Ile)

Gene: BRCA1 (BRCA1 DNA repair associated; minus strand). Cytogenetic location: 17q21.31.
Variant type: single nucleotide variant.
Coding change: c.740A>T on transcript NM_007294.4 (MANE Select); coding-DNA position 740, A replaced by T.
Protein change: p.Asn247Ile; replaces asparagine 247 with isoleucine.
Molecular consequence: missense variant. On other transcripts: 5 prime UTR variant (2), intron variant (13).
Genome position (GRCh38, 1-based): chr17:43,094,791, T>A on the plus strand (A>T on the coding strand, the complement: BRCA1 is on the minus strand). VCF-style: chr17-43094791-T-A. GRCh37 (hg19) VCF-style: chr17-41246808-T-A.
Other names: c.527A>T, p.Asn176Ile (NM_001407571.1, NM_001407853.1, NM_001407894.1 and 12 more transcripts); c.740A>T, p.Asn247Ile (NM_001407581.1, NM_001407582.1, NM_001407583.1 and 53 more transcripts); c.737A>T, p.Asn246Ile (NM_001407587.1, NM_001407590.1, NM_001407591.1 and 38 more transcripts); c.731A>T, p.Asn244Ile (NM_001407646.1, NM_001407647.1, NM_001408408.1); c.617A>T, p.Asn206Ile (NM_001407648.1, NM_001407664.1, NM_001407665.1 and 34 more transcripts); c.614A>T, p.Asn205Ile (NM_001407649.1, NM_001407670.1, NM_001407671.1 and 20 more transcripts); c.662A>T, p.Asn221Ile (NM_001407653.1, NM_001407654.1, NM_001407655.1 and 9 more transcripts); c.659A>T, p.Asn220Ile (NM_001407659.1, NM_001407660.1, NM_001407661.1 and 3 more transcripts); and 20 more; short protein forms N119I, N120I, N135I, N136I, N158I, N159I, N176I, N177I.
Identifiers: ClinVar variation 3386226 (VCV003386226.1).

ClinVar aggregate classification (germline): Uncertain significance (1 of 4 stars; one submission).

Conditions:
BRCA1-related cancer predisposition. Identifiers: MedGen CN377757, MONDO:0700268.

Submission:

All of Us Research Program, National Institutes of Health
Classification: Uncertain significance for BRCA1-related cancer predisposition. Last evaluated: 2024-02-22. Review status: criteria provided, single submitter. Criteria: ACMG Guidelines, 2015. Collection method: clinical testing. Allele origin: germline. Inheritance: Autosomal dominant inheritance. Observed: 1 variant allele, 1 heterozygote.
Comment: This missense variant replaces asparagine with isoleucine at codon 247 of the BRCA1 protein. Computational prediction is inconclusive regarding the impact of this variant on protein structure and function. To our knowledge, functional studies have not been reported for this variant. This variant has not been reported in individuals affected with BRCA1-related disorders in the literature. This variant has not been identified in the general population by the Genome Aggregation Database (gnomAD). The available evidence is insufficient to determine the role of this variant in disease conclusively. Therefore, this variant is classified as a Variant of Uncertain Significance.

This study involves interpretation of variants in research participants for the purpose of population health screening. Participant phenotype was not available at the time of variant classification. Additional details can be found in publication PMID: 35346344, PMCID: PMC8962531